The following is an entry in ClinVar:

ClinVar aggregate classification (germline): Likely benign (1 of 4 stars; one submission).

Submission:

GeneDx
Classification: Likely benign. Last evaluated: 2016-07-08. Review status: criteria provided, single submitter. Criteria: GeneDx Variant Classification (06012015). Collection method: clinical testing. Allele origin: germline. Affected: yes.
Comment: This variant is considered likely benign or benign based on one or more of the following criteria: it is a conservative change, it occurs at a poorly conserved position in the protein, it is predicted to be benign by multiple in silico algorithms, and/or has population frequency not consistent with disease.

NM_001164508.2(NEB):c.15456G>C (p.Leu5152=)

Gene: NEB (nebulin; minus strand). Cytogenetic location: 2q23.3.
Variant type: single nucleotide variant.
Coding change: c.15456G>C on transcript NM_001164508.2 (MANE Select); coding-DNA position 15456, G replaced by C.
Protein change: p.Leu5152=; no amino-acid change (leucine 5152 retained).
Molecular consequence: synonymous variant. On other transcripts: intron variant (1).
Genome position (GRCh38, 1-based): chr2:151,586,504, C>G on the plus strand (G>C on the coding strand, the complement: NEB is on the minus strand). VCF-style: chr2-151586504-C-G. GRCh37 (hg19) VCF-style: chr2-152443018-C-G.
Other names: c.15456G>C, p.Leu5152= (NM_001164507.2, NM_001271208.2); c.11602-10150G>C (NM_004543.5).
Identifiers: ClinVar variation 387231 (VCV000387231.1), dbSNP rs1057522735, ClinGen allele CA16603850.
Genomic context (GRCh38, chr2:151,586,504, plus strand): 5'-CTCCGGAGTATCAGAAGGAATGGTGATGTTGCTTTTATCTTTATTCCAGGCTTCCTGATA[C>G]AGTTTCTGTGGAGAGGAGGGAAATAGGGAATCAATATCTGAAACATTAAGCCTTAGCTAA-3'
Protein context (NP_001157980.2, residues 5142-5162): KANSLQISEK[Leu5152=]YQEAWNKDKS